The following is an entry in ClinVar:

ClinVar aggregate classification (germline): Pathogenic (1 of 4 stars; one submission).

Conditions:
Multiple congenital exostosis (EXT). Also called: Multiple osteochondromas; MULTIPLE CARTILAGINOUS EXOSTOSES; Hereditary multiple exostoses; Hereditary multiple exostosis; Multiple exostoses; Hereditary multiple osteochondromas. Identifiers: Orphanet 321, MedGen C0015306, MONDO:0005508, HP:0002762.

Submission:

Labcorp Genetics (formerly Invitae), Labcorp
Classification: Pathogenic for Multiple congenital exostosis. Last evaluated: 2021-05-31. Review status: criteria provided, single submitter. Criteria: Invitae Variant Classification Sherloc (09022015). Collection method: clinical testing. Allele origin: germline.
Comment: This variant has been observed in individual(s) with hereditary multiple exostoses (PMID: 29126381). For these reasons, this variant has been classified as Pathogenic. This variant is an in-frame deletion of the genomic region encompassing exon 4 of the EXT1 gene. It preserves the integrity of the reading frame.

Literature cited by the submitters: PubMed 29126381.

NC_000008.10:g.(?_118842449)_(118842608_?)del

Gene: EXT1 (exostosin glycosyltransferase 1; minus strand). Cytogenetic location: 8q24.11.
Variant type: Deletion.
Identifiers: ClinVar variation 1076975 (VCV001076975.7).